The following is an entry in ClinVar:

NM_000138.5(FBN1):c.3514G>A (p.Val1172Met)

Gene: FBN1 (fibrillin 1; minus strand). Cytogenetic location: 15q21.1.
Variant type: single nucleotide variant.
Coding change: c.3514G>A on transcript NM_000138.5 (MANE Select); coding-DNA position 3514, G replaced by A.
Protein change: p.Val1172Met; replaces valine 1172 with methionine.
Molecular consequence: missense variant.
Genome position (GRCh38, 1-based): chr15:48,487,150, C>T on the plus strand (G>A on the coding strand, the complement: FBN1 is on the minus strand). VCF-style: chr15-48487150-C-T. GRCh37 (hg19) VCF-style: chr15-48779347-C-T.
Other names: p.V1172M:GTG>ATG; short protein forms V1172M.
Identifiers: ClinVar variation 42338 (VCV000042338.37), dbSNP rs200125037, ClinGen allele CA014243.

ClinVar aggregate classification (germline): Conflicting classifications of pathogenicity. Review status: criteria provided, conflicting classifications (1 of 4 stars). 10 submissions from 10 submitters: Uncertain significance (5); Benign (1); Likely benign (4). Last evaluated 2025-12-08.

Conditions:
Connective tissue disorder. Also called: Connective tissue disease. Identifiers: MedGen C0009782, MONDO:0003900.
Marfan syndrome (MFS). Also called: FBN1-Related Marfan Syndrome; Marfan syndrome, classic; MARFAN SYNDROME, TYPE I; Marfan syndrome type 1; Marfan's syndrome. Identifiers: Orphanet 284963, Orphanet 558, MedGen C0024796, MONDO:0007947, OMIM 154700.
Familial thoracic aortic aneurysm and aortic dissection (TAAD). Also called: Thoracic aortic aneurysms and dissections. Identifiers: Orphanet 91387, MedGen C4707243, MONDO:0019625.

Allele frequency attached by ClinVar (database versions not stated): gnomAD exomes 0.00003 and 0.00006; gnomAD 0.00017; 1000 Genomes Project 30x 0.00031; TOPMed 0.00020; ESP Exome Variant Server 0.00023; ExAC 0.00007; 1000 Genomes Project 0.00020.
gnomAD v4.1: 64 of 1,614,134 alleles (0.004%); highest among the groups gnomAD compares: African/African-American, 0.071%; no homozygotes.

Submissions (10):

Labcorp Genetics (formerly Invitae), Labcorp
Classification: Benign for Marfan syndrome; Familial thoracic aortic aneurysm and aortic dissection. Last evaluated: 2025-12-08. Review status: criteria provided, single submitter. Criteria: Invitae Variant Classification Sherloc (09022015). Collection method: clinical testing. Allele origin: germline.

Ambry Genetics
Classification: Likely benign for Familial thoracic aortic aneurysm and aortic dissection. Last evaluated: 2025-10-10. Review status: criteria provided, single submitter. Criteria: Ambry Variant Classification Scheme 2023. Collection method: clinical testing. Allele origin: germline.

Dasa
Classification: Uncertain significance. Last evaluated: 2025-09-30. Review status: criteria provided, single submitter. Criteria: DASA Assertion Criteria. Collection method: clinical testing. Allele origin: germline.
Comment: NM_000138.5(FBN1):c.3514G>A (p.Val1172Met) is a missense variant that results in the substitution of valine with methionine. This classification is supported by population frequency inconsistent with a disease-causing role. The currently available literature and clinical evidence are not sufficient to establish a definitive association between this variant and the reported condition. Therefore, this variant is classified as a variant of uncertain significance.

GeneDx
Classification: Uncertain significance. Last evaluated: 2025-07-29. Review status: criteria provided, single submitter. Criteria: GeneDx Variant Classification Process June 2021. Collection method: clinical testing. Allele origin: germline. Affected: yes.
Comment: Identified in a patient with features of Marfan syndrome in published literature; however, this individual also harbored a second pathogenic variant in the FBN1 gene and phase was not specified (PMID: 24793577); In silico analysis suggests that this missense variant does not alter protein structure/function; Although located in a calcium-binding EGF-like domain of the FBN1 gene, it does not affect a cysteine residue within this domain; cysteine substitutions in the calcium-binding EGF-like domains represent the majority of pathogenic missense changes associated with FBN1-related disorders (PMID: 12938084); This variant is associated with the following publications: (PMID: 24793577, 12938084)

Women's Health and Genetics/Laboratory Corporation of America, LabCorp
Classification: Uncertain significance. Last evaluated: 2023-07-31. Review status: criteria provided, single submitter. Criteria: LabCorp Variant Classification Summary - May 2015. Collection method: clinical testing. Allele origin: germline.
Comment: Variant summary: FBN1 c.3514G>A (p.Val1172Met) results in a conservative amino acid change in the encoded protein sequence. Three of five in-silico tools predict a benign effect of the variant on protein function. The variant allele was found at a frequency of 5.6e-05 in 251448 control chromosomes, predominantly at a frequency of 0.00086 within the African or African-American subpopulation in the gnomAD database. The observed variant frequency within African or African-American control individuals in the gnomAD database is approximately 7.64 fold of the estimated maximal expected allele frequency for a pathogenic variant in FBN1 causing Marfan Syndrome phenotype (0.00011), strongly suggesting that the variant is a benign polymorphism found primarily in populations of African or African-American origin. c.3514G>A has been reported in the literature in individuals affected with Marfan Syndrome, without strong evidence for causality (eg. Lerner-Ellis_2014). This report does not provide unequivocal conclusions about association of the variant with Marfan Syndrome. To our knowledge, no experimental evidence demonstrating an impact on protein function has been reported. The following publications have been ascertained in the context of this evaluation (PMID: 24793577, 33448881). Six submitters have cited clinical-significance assessments for this variant to ClinVar after 2014. Multiple submitters reported the variant with conflicting assessments: three submitters classified the variant as VUS while three classified the variant as likely benign/benign. Based on the evidence outlined above, the variant was classified as VUS - possibly benign.

Color Diagnostics, LLC DBA Color Health
Classification: Likely benign for Familial thoracic aortic aneurysm and aortic dissection. Last evaluated: 2023-04-21. Review status: criteria provided, single submitter. Criteria: ACMG Guidelines, 2015. Collection method: clinical testing. Allele origin: germline.

ARUP Laboratories, Molecular Genetics and Genomics, ARUP Laboratories
Classification: Uncertain significance. Last evaluated: 2019-09-19. Review status: criteria provided, single submitter. Criteria: ARUP Molecular Germline Variant Investigation Process. Collection method: clinical testing. Allele origin: germline.
Comment: The FBN1 c.3514G>A; p.Val1172Met variant (rs200125037) is reported in the literature in an individual affected with a suspected aortopathy (Lerner-Ellis 2014). However, the affected individual with this variant was also reported to carry a different pathogenic FBN1 variant (Lerner-Ellis 2014). The p.Val1172Met variant is found in the African population with an overall allele frequency of 0.06% (16/24964 alleles) in the Genome Aggregation Database. The valine at codon 1172 is weakly conserved, and computational analyses (SIFT: damaging, PolyPhen-2: benign) predict conflicting effects of this variant on protein structure/function. However, due to limited information, the clinical significance of the p.Val1172Met variant is uncertain at this time. References: Lerner-Ellis JP et al. The spectrum of FBN1, TGFÃŸR1, TGFÃŸR2 and ACTA2 variants in 594 individuals with suspected Marfan Syndrome, Loeys-Dietz Syndrome or Thoracic Aortic Aneurysms and Dissections (TAAD). Mol Genet Metab. 2014 Jun;112(2):171-6.

CHEO Genetics Diagnostic Laboratory, Children's Hospital of Eastern Ontario
Classification: Likely benign for Familial thoracic aortic aneurysm and aortic dissection. Last evaluated: 2018-07-13. Review status: criteria provided, single submitter. Criteria: ACMG Guidelines, 2015. Collection method: clinical testing. Allele origin: germline.

Center for Human Genetics, Inc
Classification: Likely benign for Connective tissue disorder. Last evaluated: 2016-11-01. Review status: criteria provided, single submitter. Criteria: ACMG Guidelines, 2015. Collection method: clinical testing. Allele origin: germline. Affected: yes.

Laboratory for Molecular Medicine, Mass General Brigham Personalized Medicine
Classification: Uncertain significance. Last evaluated: 2008-06-12. Review status: criteria provided, single submitter. Criteria: LMM Criteria. Collection method: clinical testing. Allele origin: germline. Observed: 1 variant allele.

Literature cited by the submitters: PubMed 24793577 (cited by Women's Health and Genetics/Laboratory Corporation of America, LabCorp); PubMed 33448881 (cited by Women's Health and Genetics/Laboratory Corporation of America, LabCorp).